The following is an entry in ClinVar:

NM_017668.3(NDE1):c.386G>A (p.Arg129His)

Gene: NDE1 (nudE neurodevelopment protein 1; plus strand). Cytogenetic location: 16p13.11.
Variant type: single nucleotide variant.
Coding change: c.386G>A on transcript NM_017668.3 (MANE Select); coding-DNA position 386, G replaced by A.
Protein change: p.Arg129His; replaces arginine 129 with histidine.
Molecular consequence: missense variant.
Genome position (GRCh38, 1-based): chr16:15,677,949, G>A. VCF-style: chr16-15677949-G-A. GRCh37 (hg19) VCF-style: chr16-15771806-G-A.
Other names: NC_000016.9:g.15771806G>A; c.386G>A, p.Arg129His (NM_001143979.2); short protein forms R129H.
Identifiers: ClinVar variation 2231964 (VCV002231964.3), dbSNP rs761910819, ClinGen allele CA7920583.
Genomic context (GRCh38, chr16:15,677,949, plus strand): 5'-AATTGCAGAAATACATCAGAGAGCTGGAGCAAGCAAATGACGACCTGGAAAGAGCCAAGC[G>A]GTATGGGTGGAAGGGAAAAGCACGAGTGGGAGACTCTCCTCTCTGCTTTTTGTCCCCAGC-3'
Protein context (NP_060138.1, residues 119-139): QANDDLERAK[Arg129His]ATIMSLEDFE

ClinVar aggregate classification (germline): Uncertain significance (1 of 4 stars; one submission).

Conditions:
Inborn genetic diseases. Identifiers: MedGen C0950123, MeSH D030342.

Allele frequency attached by ClinVar (database versions not stated): gnomAD exomes 0.00001; ExAC 0.00002; gnomAD 0.00002; TOPMed 0.00002.

Submissions (2):

Ambry Genetics
Classification: Uncertain significance for Inborn genetic diseases. Last evaluated: 2021-07-15. Review status: criteria provided, single submitter. Criteria: Ambry Variant Classification Scheme 2023. Collection method: clinical testing. Allele origin: germline.
Comment: Occurs in the last base pair of the exon Based on insufficient or conflicting evidence, the clinical significance of this alteration remains unclear.

Dr. Peter K. Rogan Lab, Western University
No classification provided (evidence only). Condition: Colon adenocarcinoma. Review status: no classification provided. Collection method: in vitro. Allele origin: not applicable. Functional consequence: retained intron. Not counted in ClinVar's aggregate classification.